The following is an entry in ClinVar:

NM_004453.4(ETFDH):c.1384C>G (p.Leu462Val)

Gene: ETFDH (electron transfer flavoprotein dehydrogenase; plus strand). Cytogenetic location: 4q32.1.
Variant type: single nucleotide variant.
Coding change: c.1384C>G on transcript NM_004453.4 (MANE Select); coding-DNA position 1384, C replaced by G.
Protein change: p.Leu462Val; replaces leucine 462 with valine.
Molecular consequence: missense variant.
Genome position (GRCh38, 1-based): chr4:158,706,287, C>G. VCF-style: chr4-158706287-C-G. GRCh37 (hg19) VCF-style: chr4-159627439-C-G.
Other names: c.1243C>G, p.Leu415Val (NM_001281737.2); c.1201C>G, p.Leu401Val (NM_001281738.1); short protein forms L401V, L462V, L415V.
Identifiers: ClinVar variation 2203589 (VCV002203589.1), dbSNP rs1438551187, ClinGen allele CA358564097.

ClinVar aggregate classification (germline): Uncertain significance (1 of 4 stars; one submission).

Conditions:
Multiple acyl-CoA dehydrogenase deficiency (MADD). Also called: ETHYLMALONIC-ADIPICACIDURIA; GA II; Glutaric aciduria, type 2; Glutaric acidemia type II; GA 2; Glutaric Acidemia type 2. Identifiers: Orphanet 26791, MedGen C0268596, MONDO:0009282, OMIM 231680.

Allele frequency attached by ClinVar (database versions not stated): TOPMed below 0.00001.
gnomAD v4.1: 49 of 1,611,594 alleles (0.003%); highest among the groups gnomAD compares: Non-Finnish European, 0.0042%; no homozygotes.

Submission:

Labcorp Genetics (formerly Invitae), Labcorp
Classification: Uncertain significance for Multiple acyl-CoA dehydrogenase deficiency. Last evaluated: 2022-07-23. Review status: criteria provided, single submitter. Criteria: Invitae Variant Classification Sherloc (09022015). Collection method: clinical testing. Allele origin: germline.
Comment: This sequence change replaces leucine, which is neutral and non-polar, with valine, which is neutral and non-polar, at codon 462 of the ETFDH protein (p.Leu462Val). This variant is present in population databases (no rsID available, gnomAD 0.0009%). This missense change has been observed in individual(s) with multiple acyl-CoA dehydrogenase deficiency (PMID: 26349199). In at least one individual the data is consistent with being in trans (on the opposite chromosome) from a pathogenic variant. Advanced modeling of protein sequence and biophysical properties (such as structural, functional, and spatial information, amino acid conservation, physicochemical variation, residue mobility, and thermodynamic stability) performed at Invitae indicates that this missense variant is not expected to disrupt ETFDH protein function. In summary, the available evidence is currently insufficient to determine the role of this variant in disease. Therefore, it has been classified as a Variant of Uncertain Significance.

Literature cited by the submitters: PubMed 26349199.